The following is an entry in ClinVar:

NM_006096.4(NDRG1):c.524G>A (p.Trp175Ter)

Gene: NDRG1 (N-myc downstream regulated 1; minus strand). Cytogenetic location: 8q24.22.
Variant type: single nucleotide variant.
Coding change: c.524G>A on transcript NM_006096.4 (MANE Select); coding-DNA position 524, G replaced by A.
Protein change: p.Trp175Ter; replaces tryptophan 175 with a stop codon.
Molecular consequence: nonsense.
Genome position (GRCh38, 1-based): chr8:133,256,790, C>T on the plus strand (G>A on the coding strand, the complement: NDRG1 is on the minus strand). VCF-style: chr8-133256790-C-T. GRCh37 (hg19) VCF-style: chr8-134269033-C-T.
Other names: c.524G>A, p.Trp175Ter (NM_001135242.2, NM_001374844.1, NM_001374845.1 and 1 more transcripts); c.326G>A, p.Trp109Ter (NM_001258432.2, NM_001374847.1); c.281G>A, p.Trp94Ter (NM_001258433.2); short protein forms W109*, W94*, W175*.
Identifiers: ClinVar variation 3007519 (VCV003007519.3), dbSNP rs2538050109, ClinGen allele CA372255675.
Genomic context (GRCh38, chr8:133,256,790, plus strand): 5'-CCCTCTTCTTGCAGGGATCCCGCCGGCCTGACAGGCCCCCACCTCACCTTGGAGGCGGCC[C>T]AGTCCATCCAGCCTTCCGCACAAGGGTTCACGTTGATAAGGACAAGGCCCTCCACCATCT-3'

ClinVar aggregate classification (germline): Pathogenic (1 of 4 stars; one submission).

Conditions:
Charcot-Marie-Tooth disease type 4. Also called: Charcot-Marie-Tooth, Type 4; Charcot-Marie-Tooth disease, type IV. Identifiers: Orphanet 64749, MedGen C4082197, MONDO:0018995.

Allele frequency attached by ClinVar (database versions not stated): gnomAD exomes below 0.00001.
gnomAD v4.1: 1 of 1,614,176 alleles (0.000062%); highest among the groups gnomAD compares: Non-Finnish European, 0.000085%; no homozygotes.

Submission:

Labcorp Genetics (formerly Invitae), Labcorp
Classification: Pathogenic for Charcot-Marie-Tooth disease type 4. Last evaluated: 2023-02-05. Review status: criteria provided, single submitter. Criteria: Invitae Variant Classification Sherloc (09022015). Collection method: clinical testing. Allele origin: germline.
Comment: For these reasons, this variant has been classified as Pathogenic. This variant has not been reported in the literature in individuals affected with NDRG1-related conditions. This variant is not present in population databases (gnomAD no frequency). This sequence change creates a premature translational stop signal (p.Trp175*) in the NDRG1 gene. It is expected to result in an absent or disrupted protein product. Loss-of-function variants in NDRG1 are known to be pathogenic (PMID: 12872253, 23996628).

Literature cited by the submitters: PubMed 12872253; PubMed 23996628.